The following is an entry in ClinVar:

ClinVar aggregate classification (germline): Uncertain significance. Review status: criteria provided, multiple submitters, no conflicts (2 of 4 stars). 2 submissions from 2 submitters: Uncertain significance (2). Last evaluated 2023-08-01.

Conditions:
Hereditary cancer-predisposing syndrome. Also called: Hereditary Cancer Syndrome; Hereditary neoplastic syndrome; Tumor predisposition; Neoplastic Syndromes, Hereditary. Identifiers: Orphanet 140162, MedGen C0027672, MeSH D009386, MONDO:0015356.
Familial adenomatous polyposis 1 (FAP1). Also called: FAMILIAL ADENOMATOUS POLYPOSIS 1, ATTENUATED; POLYPOSIS, ADENOMATOUS INTESTINAL. Identifiers: MedGen C2713442, MONDO:0021056, OMIM 175100. Disease mechanism: loss of function.

Submissions (2):

Ambry Genetics
Classification: Uncertain significance for Hereditary cancer-predisposing syndrome. Last evaluated: 2023-08-01. Review status: criteria provided, single submitter. Criteria: Ambry Variant Classification Scheme 2023. Collection method: clinical testing. Allele origin: germline.
Comment: The p.D29V variant (also known as c.86A>T), located in coding exon 1 of the APC gene, results from an A to T substitution at nucleotide position 86. The aspartic acid at codon 29 is replaced by valine, an amino acid with highly dissimilar properties. This amino acid position is highly conserved in available vertebrate species. In addition, in silico predictors for this gene do not accurately predict pathogenicity. Since supporting evidence is limited at this time, the clinical significance of this alteration remains unclear.

Labcorp Genetics (formerly Invitae), Labcorp
Classification: Uncertain significance for Familial adenomatous polyposis 1. Last evaluated: 2019-11-28. Review status: criteria provided, single submitter. Criteria: Invitae Variant Classification Sherloc (09022015). Collection method: clinical testing. Allele origin: germline.
Comment: Algorithms developed to predict the effect of missense changes on protein structure and function are either unavailable or do not agree on the potential impact of this missense change (SIFT: "Deleterious"; PolyPhen-2: "Probably Damaging"; Align-GVGD: "Class C0"). In summary, the available evidence is currently insufficient to determine the role of this variant in disease. Therefore, it has been classified as a Variant of Uncertain Significance. This variant has not been reported in the literature in individuals with APC-related conditions. This sequence change replaces aspartic acid with valine at codon 29 of the APC protein (p.Asp29Val). The aspartic acid residue is highly conserved and there is a large physicochemical difference between aspartic acid and valine. This variant is not present in population databases (ExAC no frequency).

NM_000038.6(APC):c.86A>T (p.Asp29Val)

Gene: APC (APC regulator of Wnt signaling pathway; plus strand). Cytogenetic location: 5q22.2.
Variant type: single nucleotide variant.
Coding change: c.86A>T on transcript NM_000038.6 (MANE Select); coding-DNA position 86, A replaced by T.
Protein change: p.Asp29Val; replaces aspartic acid 29 with valine.
Molecular consequence: missense variant. On other transcripts: 5 prime UTR variant (1), intron variant (8).
Genome position (GRCh38, 1-based): chr5:112,754,976, A>T. VCF-style: chr5-112754976-A-T. GRCh37 (hg19) VCF-style: chr5-112090673-A-T.
Other names: c.86A>T, p.Asp29Val (NM_001127510.3, NM_001354895.2, NM_001354896.2 and 2 more transcripts); c.-950A>T (NM_001354906.2); c.166-11350A>T (NM_001354897.2, NM_001354902.2, NM_001127511.3); c.61-11350A>T (NM_001354898.2, NM_001354904.2); c.-42-11350A>T (NM_001354900.2, NM_001354901.2, NM_001354905.2); short protein forms D29V.
Identifiers: ClinVar variation 843865 (VCV000843865.13), dbSNP rs1754793886, ClinGen allele CA16021528.